The following is an entry in ClinVar:

ClinVar aggregate classification (germline): Uncertain significance (1 of 4 stars; one submission).

Conditions:
Inborn genetic diseases. Identifiers: MedGen C0950123, MeSH D030342.

gnomAD v4.1: 2 of 1,613,270 alleles (0.00012%); highest among the groups gnomAD compares: Non-Finnish European, 0.00017%; no homozygotes.

Submission:

Ambry Genetics
Classification: Uncertain significance for Inborn genetic diseases. Last evaluated: 2026-03-26. Review status: criteria provided, single submitter. Criteria: Ambry Variant Classification Scheme 2023. Collection method: clinical testing. Allele origin: germline.
Comment: The c.2752A>T (p.R918W) alteration is located in exon 22 (coding exon 22) of the WDR11 gene. This alteration results from a A to T substitution at nucleotide position 2752, causing the arginine (R) at amino acid position 918 to be replaced by a tryptophan (W). Based on data from gnomAD, the T allele has an overall frequency of <0.001% (1/251116) total alleles studied. The highest observed frequency was 0.001% (1/113574) of European (non-Finnish) alleles. Based on insufficient or conflicting evidence, the clinical significance of this alteration remains unclear.

NM_018117.12(WDR11):c.2752A>T (p.Arg918Trp)

Gene: WDR11 (WD repeat domain 11; plus strand). Cytogenetic location: 10q26.12.
Variant type: single nucleotide variant.
Coding change: c.2752A>T on transcript NM_018117.12 (MANE Select); coding-DNA position 2752, A replaced by T.
Protein change: p.Arg918Trp; replaces arginine 918 with tryptophan.
Molecular consequence: missense variant.
Genome position (GRCh38, 1-based): chr10:120,902,321, A>T. VCF-style: chr10-120902321-A-T. GRCh37 (hg19) VCF-style: chr10-122661833-A-T.
Other names: short protein forms R918W.
Identifiers: ClinVar variation 4866485 (VCV004866485.1).